The following is an entry in ClinVar:

NM_004304.5(ALK):c.4778T>C (p.Leu1593Ser)

Gene: ALK (ALK receptor tyrosine kinase; minus strand). Cytogenetic location: 2p23.2.
Variant type: single nucleotide variant.
Coding change: c.4778T>C on transcript NM_004304.5 (MANE Select); coding-DNA position 4778, T replaced by C.
Protein change: p.Leu1593Ser; replaces leucine 1593 with serine.
Molecular consequence: missense variant.
Genome position (GRCh38, 1-based): chr2:29,193,309, A>G on the plus strand (T>C on the coding strand, the complement: ALK is on the minus strand). VCF-style: chr2-29193309-A-G. GRCh37 (hg19) VCF-style: chr2-29416175-A-G.
Other names: c.1574T>C, p.Leu525Ser (NM_001353765.2); short protein forms L525S, L1593S.
Identifiers: ClinVar variation 2586711 (VCV002586711.2), dbSNP rs776898697, ClinGen allele CA1593488.

ClinVar aggregate classification (germline): Uncertain significance (1 of 4 stars; one submission).

Conditions:
Hereditary cancer-predisposing syndrome. Also called: Hereditary neoplastic syndrome; Tumor predisposition; Hereditary Cancer Syndrome; Neoplastic Syndromes, Hereditary. Identifiers: Orphanet 140162, MedGen C0027672, MeSH D009386, MONDO:0015356.

gnomAD v4.1: 7 of 1,614,136 alleles (0.00043%); highest among the groups gnomAD compares: South Asian, 0.0022%; no homozygotes.

Submission:

Ambry Genetics
Classification: Uncertain significance for Hereditary cancer-predisposing syndrome. Last evaluated: 2023-09-05. Review status: criteria provided, single submitter. Criteria: Ambry Variant Classification Scheme 2023. Collection method: clinical testing. Allele origin: germline.
Comment: The p.L1593S variant (also known as c.4778T>C), located in coding exon 29 of the ALK gene, results from a T to C substitution at nucleotide position 4778. The leucine at codon 1593 is replaced by serine, an amino acid with dissimilar properties. This amino acid position is conserved. In addition, this alteration is predicted to be tolerated by in silico analysis. Since supporting evidence is limited at this time, the clinical significance of this alteration remains unclear.